The following is an entry in ClinVar:

NM_001242882.2(NAXD):c.840-40G>A

Gene: NAXD (NAD(P)HX dehydratase; plus strand). Cytogenetic location: 13q34.
Variant type: single nucleotide variant.
Coding change: c.840-40G>A on transcript NM_001242882.2 (MANE Select); 40 bases into the intron before coding-DNA position 840, G replaced by A.
Molecular consequence: intron variant. On other transcripts: synonymous variant (1).
Genome position (GRCh38, 1-based): chr13:110,638,338, G>A. VCF-style: chr13-110638338-G-A. GRCh37 (hg19) VCF-style: chr13-111290685-G-A.
Other names: c.990G>A, p.Thr330= (NM_018210.4); c.564-40G>A (NM_001242883.2); c.894-40G>A (NM_001242881.2); c.990G>A (NM_018210.3).
Identifiers: ClinVar variation 2057894 (VCV002057894.30), dbSNP rs115969108, ClinGen allele CA7051428.

ClinVar aggregate classification (germline): Benign/Likely benign. Review status: criteria provided, multiple submitters, no conflicts (2 of 4 stars). 4 submissions from 4 submitters: Benign (1); Likely benign (2). 1 of the submissions does not count toward it. Last evaluated 2026-07-01.

Conditions:
NAXD-related disorder. Also called: NAXD-related condition.

Allele frequency attached by ClinVar (database versions not stated): ESP Exome Variant Server 0.00038; 1000 Genomes Project 0.00040; ExAC 0.00041; TOPMed 0.00042; gnomAD 0.00046; 1000 Genomes Project 30x 0.00047; gnomAD exomes 0.00074.
gnomAD v4.1: 1,130 of 1,613,618 alleles (0.07%); highest among the groups gnomAD compares: Non-Finnish European, 0.088%; 1 homozygote.

Submissions (4):

CeGaT Center for Human Genetics Tuebingen
Classification: Likely benign. Last evaluated: 2026-07-01. Review status: criteria provided, single submitter. Criteria: CeGaT Center For Human Genetics Tuebingen Variant Classification Criteria Version 2. Collection method: clinical testing. Allele origin: germline. Affected: yes. Observed: 5 variant alleles.
Comment: NAXD: BP4, BP7

Labcorp Genetics (formerly Invitae), Labcorp
Classification: Benign. Last evaluated: 2025-09-21. Review status: criteria provided, single submitter. Criteria: Invitae Variant Classification Sherloc (09022015). Collection method: clinical testing. Allele origin: germline.

Blueprint Genetics
Classification: Likely benign. Last evaluated: 2024-11-12. Review status: criteria provided, single submitter. Criteria: ACMG Guidelines, 2015. Collection method: clinical testing. Allele origin: germline.

PreventionGenetics, part of Exact Sciences
Classification: Likely benign for NAXD-related condition. Last evaluated: 2019-09-25. Review status: no assertion criteria provided. Collection method: clinical testing. Allele origin: germline. Not counted in ClinVar's aggregate classification.
Comment: This variant is classified as likely benign based on ACMG/AMP sequence variant interpretation guidelines (Richards et al. 2015 PMID: 25741868, with internal and published modifications).